The following is an entry in ClinVar:

NM_017849.4(TMEM127):c.104T>C (p.Leu35Pro)

Genes: TMEM127 (transmembrane protein 127; minus strand), LOC129934333 (ATAC-STARR-seq lymphoblastoid silent region 11759; plus strand). Cytogenetic location: 2q11.2.
Variant type: single nucleotide variant.
Coding change: c.104T>C on transcript NM_017849.4 (MANE Select); coding-DNA position 104, T replaced by C.
Protein change: p.Leu35Pro; replaces leucine 35 with proline.
Molecular consequence: missense variant.
Genome position (GRCh38, 1-based): chr2:96,265,278, A>G on the plus strand (T>C on the coding strand, the complement: TMEM127 is on the minus strand). VCF-style: chr2-96265278-A-G. GRCh37 (hg19) VCF-style: chr2-96931016-A-G.
Other names: c.104T>C, p.Leu35Pro (NM_001193304.3); short protein forms L35P.
Identifiers: ClinVar variation 2413855 (VCV002413855.8), dbSNP rs2467285775, ClinGen allele CA347656106.
Genomic context (GRCh38, chr2:96,265,278, plus strand): 5'-TGCAACCAGGCGGGCTCGGCGAGGGCAGTGCACAGCGCCGTGATAGACAGGGCGCCAGGC[A>G]GGGCCGAGGCCAGGCTACGCTCCGGCTGCTTGGGCAGAGCGCTGCCTCCCGGGCTCCTCC-3'
Protein context (NP_060319.1, residues 25-45): KQPERSLASA[Leu35Pro]PGALSITALC

ClinVar aggregate classification (germline): Uncertain significance. Review status: criteria provided, multiple submitters, no conflicts (2 of 4 stars). 2 submissions from 2 submitters: Uncertain significance (2). Last evaluated 2024-11-11.

Conditions:
Hereditary cancer-predisposing syndrome. Also called: Neoplastic Syndromes, Hereditary; Tumor predisposition; Hereditary Cancer Syndrome; Hereditary neoplastic syndrome. Identifiers: Orphanet 140162, MedGen C0027672, MeSH D009386, MONDO:0015356.
Hereditary pheochromocytoma and paraganglioma. Also called: Hereditary paragangliomas and pheochromocytomas; Hereditary Paraganglioma-Pheochromocytoma Syndromes; Hereditary pheochromocytoma-paraganglioma. Identifiers: Orphanet 29072, MedGen C4274332, MONDO:0017366.

Submissions (2):

Ambry Genetics
Classification: Uncertain significance for Hereditary cancer-predisposing syndrome. Last evaluated: 2024-11-11. Review status: criteria provided, single submitter. Criteria: Ambry Variant Classification Scheme 2023. Collection method: clinical testing. Allele origin: germline.
Comment: The p.L35P variant (also known as c.104T>C), located in coding exon 1 of the TMEM127 gene, results from a T to C substitution at nucleotide position 104. The leucine at codon 35 is replaced by proline, an amino acid with similar properties. This amino acid position is conserved. In addition, this alteration is predicted to be deleterious by in silico analysis. Based on the available evidence, the clinical significance of this variant remains unclear.

Labcorp Genetics (formerly Invitae), Labcorp
Classification: Uncertain significance for Hereditary pheochromocytoma and paraganglioma. Last evaluated: 2022-10-25. Review status: criteria provided, single submitter. Criteria: Invitae Variant Classification Sherloc (09022015). Collection method: clinical testing. Allele origin: germline.
Comment: In summary, the available evidence is currently insufficient to determine the role of this variant in disease. Therefore, it has been classified as a Variant of Uncertain Significance. Algorithms developed to predict the effect of missense changes on protein structure and function are either unavailable or do not agree on the potential impact of this missense change (SIFT: "Deleterious"; PolyPhen-2: "Probably Damaging"; Align-GVGD: "Class C0"). This variant has not been reported in the literature in individuals affected with TMEM127-related conditions. This variant is not present in population databases (gnomAD no frequency). This sequence change replaces leucine, which is neutral and non-polar, with proline, which is neutral and non-polar, at codon 35 of the TMEM127 protein (p.Leu35Pro).